The following is an entry in ClinVar:

NM_031885.5(BBS2):c.117+6C>G

Gene: BBS2 (Bardet-Biedl syndrome 2; minus strand). Cytogenetic location: 16q13.
Variant type: single nucleotide variant.
Coding change: c.117+6C>G on transcript NM_031885.5 (MANE Select); 6 bases into the intron after coding-DNA position 117, C replaced by G.
Molecular consequence: intron variant.
Genome position (GRCh38, 1-based): chr16:56,519,740, G>C on the plus strand (C>G on the coding strand, the complement: BBS2 is on the minus strand). VCF-style: chr16-56519740-G-C. GRCh37 (hg19) VCF-style: chr16-56553652-G-C.
Other names: c.117+6C>G (NM_001377456.1).
Identifiers: ClinVar variation 2091887 (VCV002091887.1), dbSNP rs574107668, ClinGen allele CA2224184477.

ClinVar aggregate classification (germline): Uncertain significance (1 of 4 stars; one submission).

Conditions:
Bardet-Biedl syndrome (BBS). Identifiers: Orphanet 110, MedGen C0752166, MONDO:0015229.

Allele frequency attached by ClinVar (database versions not stated): TOPMed below 0.00001.
gnomAD v4.1: 3 of 1,609,854 alleles (0.00019%); highest among the groups gnomAD compares: Non-Finnish European, 0.00025%; no homozygotes.

Submission:

Labcorp Genetics (formerly Invitae), Labcorp
Classification: Uncertain significance for Bardet-Biedl syndrome. Last evaluated: 2022-02-02. Review status: criteria provided, single submitter. Criteria: Invitae Variant Classification Sherloc (09022015). Collection method: clinical testing. Allele origin: germline.
Comment: This sequence change falls in intron 1 of the BBS2 gene. It does not directly change the encoded amino acid sequence of the BBS2 protein. It affects a nucleotide within the consensus splice site. This variant is not present in population databases (gnomAD no frequency). This variant has not been reported in the literature in individuals affected with BBS2-related conditions. Variants that disrupt the consensus splice site are a relatively common cause of aberrant splicing (PMID: 17576681, 9536098). Algorithms developed to predict the effect of sequence changes on RNA splicing suggest that this variant is not likely to affect RNA splicing. In summary, the available evidence is currently insufficient to determine the role of this variant in disease. Therefore, it has been classified as a Variant of Uncertain Significance.

Literature cited by the submitters: PubMed 17576681; PubMed 9536098.